The following is an entry in ClinVar:

NM_024312.5(GNPTAB):c.117G>T (p.Glu39Asp)

Gene: GNPTAB (N-acetylglucosamine-1-phosphate transferase subunits alpha and beta; minus strand). Cytogenetic location: 12q23.2.
Variant type: single nucleotide variant.
Coding change: c.117G>T on transcript NM_024312.5 (MANE Select); coding-DNA position 117, G replaced by T.
Protein change: p.Glu39Asp; replaces glutamic acid 39 with aspartic acid.
Molecular consequence: missense variant.
Genome position (GRCh38, 1-based): chr12:101,830,559, C>A on the plus strand (G>T on the coding strand, the complement: GNPTAB is on the minus strand). VCF-style: chr12-101830559-C-A. GRCh37 (hg19) VCF-style: chr12-102224337-C-A.
Other names: short protein forms E39D.
Identifiers: ClinVar variation 1303703 (VCV001303703.3), dbSNP rs765682282, ClinGen allele CA6747011.

ClinVar aggregate classification (germline): Conflicting classifications of pathogenicity. Review status: criteria provided, conflicting classifications (1 of 4 stars). 2 submissions from 2 submitters: Likely pathogenic (1); Uncertain significance (1). Last evaluated 2022-05-04.

Conditions:
Mucolipidosis type II. Also called: ML II ALPHA/BETA; Mucolipidosis 2; ML 2; Inclusion cell disease; Leroy Disease; N-acetylglucosamine 1phosphotransferase deficiency. Identifiers: Orphanet 576, MedGen C2673377, MONDO:0009650, OMIM 252500.

Allele frequency attached by ClinVar (database versions not stated): ExAC 0.00001; gnomAD 0.00003; gnomAD exomes below 0.00001 and 0.00001; TOPMed 0.00003.
gnomAD v4.1: 5 of 1,596,650 alleles (0.00031%); highest among the groups gnomAD compares: African/African-American, 0.0067%; no homozygotes.

Submissions (2):

Mendelics
Classification: Likely pathogenic for Mucolipidosis type II. Last evaluated: 2022-05-04. Review status: criteria provided, single submitter. Criteria: Mendelics Assertion Criteria 2019. Collection method: clinical testing. Allele origin: germline.

GeneDx
Classification: Uncertain significance. Last evaluated: 2020-03-04. Review status: criteria provided, single submitter. Criteria: GeneDx Variant Classification Process June 2021. Collection method: clinical testing. Allele origin: germline. Affected: yes.
Comment: Not observed at a significant frequency in large population cohorts (Lek et al., 2016); In silico analysis supports that this missense variant has a deleterious effect on protein structure/function; Has not been previously published as pathogenic or benign to our knowledge